The following is an entry in ClinVar:

NM_001042492.3(NF1):c.7895del (p.Asp2632fs)

Gene: NF1 (neurofibromin 1; plus strand). Cytogenetic location: 17q11.2.
Variant type: Deletion.
Coding change: c.7895del on transcript NM_001042492.3 (MANE Select); coding-DNA position 7895, one base deleted (A; older notation c.7895delA).
Protein change: p.Asp2632fs; shifts the reading frame from aspartic acid 2632.
Molecular consequence: frameshift variant.
Genome position (GRCh38, 1-based): chr17:31,357,294, A deleted. VCF-style (leftmost placement, unchanged base first): chr17-31357293-GA-G. GRCh37 (hg19) VCF-style: chr17-29684311-GA-G.
Other names: c.7832delA, p.Asp2611Valfs (NM_000267.4); short protein forms D2611fs, D2632fs.
Identifiers: ClinVar variation 1074063 (VCV001074063.5), dbSNP rs2151583226, ClinGen allele CA2499224245.

ClinVar aggregate classification (germline): Pathogenic (1 of 4 stars; one submission).

Conditions:
Neurofibromatosis, type 1 (NF1). Also called: VON RECKLINGHAUSEN DISEASE; Peripheral type neurofibromatosis; NEUROFIBROMATOSIS, TYPE I, SOMATIC; Neurofibromatosis, type I. Identifiers: Orphanet 636, MedGen C0027831, MONDO:0018975, OMIM 162200. Disease mechanism: loss of function.

Submission:

Labcorp Genetics (formerly Invitae), Labcorp
Classification: Pathogenic for Neurofibromatosis, type 1. Last evaluated: 2020-08-14. Review status: criteria provided, single submitter. Criteria: Invitae Variant Classification Sherloc (09022015). Collection method: clinical testing. Allele origin: germline.
Comment: This sequence change creates a premature translational stop signal (p.Asp2611Valfs*12) in the NF1 gene. It is expected to result in an absent or disrupted protein product. This variant is not present in population databases (ExAC no frequency). This variant has not been reported in the literature in individuals with NF1-related conditions. Algorithms developed to predict the effect of sequence changes on RNA splicing suggest that this variant may create or strengthen a splice site, but this prediction has not been confirmed by published transcriptional studies. Loss-of-function variants in NF1 are known to be pathogenic (PMID: 10712197, 23913538). For these reasons, this variant has been classified as Pathogenic.

Literature cited by the submitters: PubMed 10712197; PubMed 23913538.